The following is an entry in ClinVar:

NM_004304.5(ALK):c.262C>A (p.Arg88Ser)

Gene: ALK (ALK receptor tyrosine kinase; minus strand). Cytogenetic location: 2p23.1.
Variant type: single nucleotide variant.
Coding change: c.262C>A on transcript NM_004304.5 (MANE Select); coding-DNA position 262, C replaced by A.
Protein change: p.Arg88Ser; replaces arginine 88 with serine.
Molecular consequence: missense variant.
Genome position (GRCh38, 1-based): chr2:29,920,398, G>T on the plus strand (C>A on the coding strand, the complement: ALK is on the minus strand). VCF-style: chr2-29920398-G-T. GRCh37 (hg19) VCF-style: chr2-30143264-G-T.
Other names: short protein forms R88S.
Identifiers: ClinVar variation 837422 (VCV000837422.10), dbSNP rs754768477, ClinGen allele CA1595016.

ClinVar aggregate classification (germline): Uncertain significance. Review status: criteria provided, multiple submitters, no conflicts (2 of 4 stars). 2 submissions from 2 submitters: Uncertain significance (2). Last evaluated 2026-07-07.

Conditions:
Hereditary cancer-predisposing syndrome. Also called: Tumor predisposition; Hereditary neoplastic syndrome; Neoplastic Syndromes, Hereditary; Hereditary Cancer Syndrome. Identifiers: Orphanet 140162, MedGen C0027672, MeSH D009386, MONDO:0015356.
Neuroblastoma, susceptibility to, 3. Also called: ALK-Related Neuroblastic Tumor Susceptibility. Identifiers: Orphanet 635, MedGen C2751681, MONDO:0013083, OMIM 613014.

Allele frequency attached by ClinVar (database versions not stated): TOPMed below 0.00001; ExAC 0.00005; gnomAD exomes below 0.00001 and 0.00001; gnomAD 0.00001.
gnomAD v4.1: 2 of 1,574,292 alleles (0.00013%); highest among the groups gnomAD compares: Non-Finnish European, 0.00017%; no homozygotes.

Submissions (2):

Ambry Genetics
Classification: Uncertain significance for Hereditary cancer-predisposing syndrome. Last evaluated: 2026-07-07. Review status: criteria provided, single submitter. Criteria: Ambry Variant Classification Scheme 2023. Collection method: clinical testing. Allele origin: germline.
Comment: The p.R88S variant (also known as c.262C>A), located in coding exon 1 of the ALK gene, results from a C to A substitution at nucleotide position 262. The arginine at codon 88 is replaced by serine, an amino acid with dissimilar properties. This amino acid position is well conserved in available vertebrate species. In addition, this alteration is predicted to be tolerated by in silico analysis. Based on the available evidence, the clinical significance of this variant remains unclear.

Labcorp Genetics (formerly Invitae), Labcorp
Classification: Uncertain significance for Neuroblastoma, susceptibility to, 3. Last evaluated: 2023-04-22. Review status: criteria provided, single submitter. Criteria: Invitae Variant Classification Sherloc (09022015). Collection method: clinical testing. Allele origin: germline.
Comment: In summary, the available evidence is currently insufficient to determine the role of this variant in disease. Therefore, it has been classified as a Variant of Uncertain Significance. An algorithm developed to predict the effect of missense changes on protein structure and function (PolyPhen-2) suggests that this variant is likely to be tolerated. ClinVar contains an entry for this variant (Variation ID: 837422). This variant has not been reported in the literature in individuals affected with ALK-related conditions. The frequency data for this variant in the population databases is considered unreliable, as metrics indicate poor data quality at this position in the gnomAD database. This sequence change replaces arginine, which is basic and polar, with serine, which is neutral and polar, at codon 88 of the ALK protein (p.Arg88Ser).